The following is an entry in ClinVar:

NM_001034853.2(RPGR):c.19_25delinsGGAGCCCGTGGCATGAGGGAG (p.Leu7fs)

Genes: RPGR (retinitis pigmentosa GTPase regulator; minus strand), LOC130068098 (ATAC-STARR-seq lymphoblastoid silent region 20735; plus strand). Cytogenetic location: Xp11.4.
Variant type: Indel.
Coding change: c.19_25delinsGGAGCCCGTGGCATGAGGGAG on transcript NM_001034853.2 (MANE Select); coding-DNA positions 19 to 25, CTGATGC replaced by GGAGCCCGTGGCATGAGGGAG.
Protein change: p.Leu7fs; shifts the reading frame from leucine 7.
Molecular consequence: frameshift variant. On other transcripts: non-coding transcript variant (5).
Genome position (GRCh38, 1-based): chrX:38,327,343-38,327,349, GCATCAG replaced by CTCCCTCATGCCACGGGCTCC on the plus strand (CTGATGC replaced by GGAGCCCGTGGCATGAGGGAG on the coding strand, the reverse complement: RPGR is on the minus strand). VCF-style: chrX-38327343-GCATCAG-CTCCCTCATGCCACGGGCTCC. GRCh37 (hg19) VCF-style: chrX-38186596-GCATCAG-CTCCCTCATGCCACGGGCTCC.
Other names: NM_001034853.2(RPGR):c.19_25delinsGGAGCCCGTGGCATGAGGGAG; p.Leu7fs; c.19_25delinsGGAGCCCGTGGCATGAGGGAG, p.Leu7fs (NM_000328.3, NM_001367245.1, NM_001367246.1 and 4 more transcripts); short protein forms L7fs.
Identifiers: ClinVar variation 1928684 (VCV001928684.6), dbSNP rs2519927267, ClinGen allele CA2580100794.
Genomic context (GRCh38, chrX:38,327,343, plus strand): 5'-CGGCCGCCCGCGGACCCTCCCTCCCGGCCTTCCGCCACCGGCGCGGGCGCAACTCACCGG[GCATCAG>CTCCCTCATGCCACGGGCTCC]CTCTTCCGGCTCCCTCATGCCACGGGCAGTACGGGCAGCCTGCGCCGGGGCCAGGAGGCT-3'

ClinVar aggregate classification (germline): Likely pathogenic. Review status: reviewed by expert panel (3 of 4 stars). 2 submissions from 2 submitters: Likely pathogenic (1). 1 of the submissions does not count toward it. Last evaluated 2026-01-25.

Conditions:
RPGR-related retinopathy. Also called: RPGR retinopathy. Identifiers: MedGen CN305589, MONDO:0100437.
Primary ciliary dyskinesia. Also called: Ciliary dyskinesia. Identifiers: Orphanet 244, MedGen C0008780, MONDO:0016575, HP:0012265.

Submissions (2):

ClinGen X-linked Inherited Retinal Disease Variant Curation Expert Panel, ClinGen
Classification: Likely pathogenic for RPGR-related retinopathy. Last evaluated: 2026-01-25. Review status: reviewed by expert panel. Criteria: ClinGen X LinkedIRD ACMG Specifications RPGR V1.0.0. Collection method: curation. Allele origin: germline. Inheritance: X-linked inheritance.
Comment: NM_001034853.2(RPGR):c.19_25delinsGGAGCCCGTGGCATGAGGGAG (p.Leu7GlyfsTer?) is a frameshift variant due to a seven-nucleotide deletion combined with a twenty-one-nucleotide insertion that introduces a premature stop codon within exon 1 of 15 and is predicted to trigger nonsense-mediated decay (PVS1). This variant is absent from gnomAD v4.1.0 (PM2_Supporting). This variant has been submitted to ClinVar (Accession: SCV002960906.3) but has not been reported in association with an affected proband. In summary, this variant is classified as likely pathogenic for RPGR-related retinopathy based on the ClinGen X-linked Inherited Retinal Disease Expert Panel Specifications to the ACMG/AMP Variant Interpretation Guidelines for RPGR Version 1.0.0; PVS1 and PM2_Supporting.

Labcorp Genetics (formerly Invitae), Labcorp
Classification: Pathogenic for Primary ciliary dyskinesia. Last evaluated: 2021-12-16. Review status: criteria provided, single submitter. Criteria: Invitae Variant Classification Sherloc (09022015). Collection method: clinical testing. Allele origin: germline. Not counted in ClinVar's aggregate classification.
Comment: For these reasons, this variant has been classified as Pathogenic. This variant has not been reported in the literature in individuals affected with RPGR-related conditions. This variant is not present in population databases (gnomAD no frequency). This sequence change creates a premature translational stop signal (p.Leu7Glyfs*66) in the RPGR gene. It is expected to result in an absent or disrupted protein product. Loss-of-function variants in RPGR are known to be pathogenic (PMID: 16055928, 16969763).

Literature cited by the submitters: PubMed 16055928 (cited by Labcorp Genetics (formerly Invitae), Labcorp); PubMed 16969763 (cited by Labcorp Genetics (formerly Invitae), Labcorp).